The following is an entry in ClinVar:

NM_000518.5(HBB):c.316-114C>A

Genes: HBB (hemoglobin subunit beta; minus strand), LOC107133510 (origin of replication at HBB; plus strand), LOC110006319 (beta-globin gene 3' regulatory region; plus strand). Cytogenetic location: 11p15.4.
Variant type: single nucleotide variant.
Coding change: c.316-114C>A on transcript NM_000518.5 (MANE Select); 114 bases into the intron before coding-DNA position 316, C replaced by A.
Molecular consequence: intron variant.
Genome position (GRCh38, 1-based): chr11:5,225,840, G>T on the plus strand (C>A on the coding strand, the complement: HBB is on the minus strand). VCF-style: chr11-5225840-G-T. GRCh37 (hg19) VCF-style: chr11-5247070-G-T.
Identifiers: ClinVar variation 632849 (VCV000632849.20), dbSNP rs1003790835, ClinGen allele CA217112964.

ClinVar aggregate classification (germline): Likely benign. Review status: criteria provided, multiple submitters, no conflicts (2 of 4 stars). 3 submissions from 3 submitters: Likely benign (3). Last evaluated 2026-01-11.

Allele frequency attached by ClinVar (database versions not stated): gnomAD 0.00001; TOPMed 0.00002.
gnomAD v4.1: 12 of 1,036,972 alleles (0.0012%); highest among the groups gnomAD compares: South Asian, 0.0064%; no homozygotes.

Submissions (3):

Labcorp Genetics (formerly Invitae), Labcorp
Classification: Likely benign. Last evaluated: 2026-01-11. Review status: criteria provided, single submitter. Criteria: Invitae Variant Classification Sherloc (09022015). Collection method: clinical testing. Allele origin: germline.

Quest Diagnostics Nichols Institute San Juan Capistrano
Classification: Likely benign. Last evaluated: 2025-03-31. Review status: criteria provided, single submitter. Criteria: Quest Diagnostics criteria. Collection method: clinical testing. Allele origin: unknown.

Women's Health and Genetics/Laboratory Corporation of America, LabCorp
Classification: Likely benign. Last evaluated: 2025-01-09. Review status: criteria provided, single submitter. Criteria: LabCorp Variant Classification Summary - May 2015. Collection method: clinical testing. Allele origin: germline.
Comment: Variant summary: HBB c.316-114C>A is located at a position not widely known to affect splicing. Consensus agreement among computation tools predict no significant impact on normal splicing. However, these predictions have yet to be confirmed by functional studies. The variant was absent in 31404 control chromosomes. The available data on variant occurrences in the general population are insufficient to allow any conclusion about variant significance. To our knowledge, no occurrence of c.316-114C>A in individuals affected with Hemoglobinopathy and no experimental evidence demonstrating its impact on protein function have been reported. ClinVar contains an entry for this variant (Variation ID: 632849). Based on the evidence outlined above, the variant was classified as likely benign.